The following is an entry in ClinVar:

ClinVar aggregate classification (germline): Uncertain significance (1 of 4 stars; one submission).

Conditions:
Achondrogenesis, type IA (ACG1A). Identifiers: Orphanet 932, Orphanet 93299, MedGen C0265273, MONDO:0008701, OMIM 200600.

Allele frequency attached by ClinVar (database versions not stated): gnomAD exomes below 0.00001.
gnomAD v4.1: 1 of 1,612,992 alleles (0.000062%); highest among the groups gnomAD compares: South Asian, 0.0011%; no homozygotes.

Submission:

Labcorp Genetics (formerly Invitae), Labcorp
Classification: Uncertain significance for Achondrogenesis, type IA. Last evaluated: 2022-01-18. Review status: criteria provided, single submitter. Criteria: Invitae Variant Classification Sherloc (09022015). Collection method: clinical testing. Allele origin: germline.
Comment: This sequence change replaces valine, which is neutral and non-polar, with isoleucine, which is neutral and non-polar, at codon 675 of the TRIP11 protein (p.Val675Ile). This variant is present in population databases (no rsID available, gnomAD 0.003%). This variant has not been reported in the literature in individuals affected with TRIP11-related conditions. Algorithms developed to predict the effect of missense changes on protein structure and function are either unavailable or do not agree on the potential impact of this missense change (SIFT: "Not Available"; PolyPhen-2: "Benign"; Align-GVGD: "Not Available"). In summary, the available evidence is currently insufficient to determine the role of this variant in disease. Therefore, it has been classified as a Variant of Uncertain Significance.

NM_004239.4(TRIP11):c.2023G>A (p.Val675Ile)

Gene: TRIP11 (thyroid hormone receptor interactor 11; minus strand). Cytogenetic location: 14q32.12.
Variant type: single nucleotide variant.
Coding change: c.2023G>A on transcript NM_004239.4 (MANE Select); coding-DNA position 2023, G replaced by A.
Protein change: p.Val675Ile; replaces valine 675 with isoleucine.
Molecular consequence: missense variant.
Genome position (GRCh38, 1-based): chr14:92,005,953, C>T on the plus strand (G>A on the coding strand, the complement: TRIP11 is on the minus strand). VCF-style: chr14-92005953-C-T. GRCh37 (hg19) VCF-style: chr14-92472297-C-T.
Other names: c.2020G>A, p.Val674Ile (NM_001321851.1); short protein forms V675I, V674I.
Identifiers: ClinVar variation 1915293 (VCV001915293.5), dbSNP rs1470735205, ClinGen allele CA390658892.
Genomic context (GRCh38, chr14:92,005,953, plus strand): 5'-CTTCTAACTGATGCCTCACATCTTCACATGCTAAAACTAACTTTTCATTTTCCATTTTGA[C>T]ATCAAAAGCAACTTTCTTTAAATTTTCATTGAGCTGTTCTAATTCTGAAAGATTTTGCTT-3'
Protein context (NP_004230.2, residues 665-685): NENLKKVAFD[Val675Ile]KMENEKLVLA